The following is an entry in ClinVar:

ClinVar aggregate classification (germline): Uncertain significance (1 of 4 stars; one submission).

Conditions:
Rhabdoid tumor predisposition syndrome 2 (RTPS2). Identifiers: Orphanet 231108, Orphanet 69077, MedGen C2750074, MONDO:0013224, OMIM 613325.

Submission:

Labcorp Genetics (formerly Invitae), Labcorp
Classification: Uncertain significance for Rhabdoid tumor predisposition syndrome 2. Last evaluated: 2019-10-09. Review status: criteria provided, single submitter. Criteria: Invitae Variant Classification Sherloc (09022015). Collection method: clinical testing. Allele origin: germline.
Comment: In summary, the available evidence is currently insufficient to determine the role of this variant in disease. Therefore, it has been classified as a Variant of Uncertain Significance. Algorithms developed to predict the effect of missense changes on protein structure and function are either unavailable or do not agree on the potential impact of this missense change (SIFT: "Deleterious"; PolyPhen-2: "Probably Damaging"; Align-GVGD: "Class C0"). This variant has not been reported in the literature in individuals with SMARCA4-related conditions. This variant is not present in population databases (ExAC no frequency). This sequence change replaces aspartic acid with tyrosine at codon 1679 of the SMARCA4 protein (p.Asp1679Tyr). The aspartic acid residue is highly conserved and there is a large physicochemical difference between aspartic acid and tyrosine.

NM_003072.5(SMARCA4):c.4939G>T (p.Asp1647Tyr)

Gene: SMARCA4 (SWI/SNF related BAF chromatin remodeling complex subunit ATPase 4; plus strand). Cytogenetic location: 19p13.2.
Variant type: single nucleotide variant.
Coding change: c.4939G>T on transcript NM_003072.5 (MANE Select); coding-DNA position 4939, G replaced by T.
Protein change: p.Asp1647Tyr; replaces aspartic acid 1647 with tyrosine.
Molecular consequence: missense variant. On other transcripts: non-coding transcript variant (1).
Genome position (GRCh38, 1-based): chr19:11,061,811, G>T. VCF-style: chr19-11061811-G-T. GRCh37 (hg19) VCF-style: chr19-11172487-G-T.
Other names: c.4939G>T, p.Asp1647Tyr (NM_001128844.3); c.4849G>T, p.Asp1617Tyr (NM_001128845.2); c.4846G>T, p.Asp1616Tyr (NM_001128846.2); c.4840G>T, p.Asp1614Tyr (NM_001128847.4, NM_001374457.1); c.4837G>T, p.Asp1613Tyr (NM_001128848.2); c.5035G>T, p.Asp1679Tyr (NM_001128849.3); short protein forms D1617Y, D1614Y, D1647Y, D1613Y, D1616Y, D1679Y.
Identifiers: ClinVar variation 953893 (VCV000953893.9), dbSNP rs2076918536, ClinGen allele CA404081982.